The following is an entry in ClinVar:

NM_207352.4(CYP4V2):c.1338C>T (p.Pro446=)

Gene: CYP4V2 (cytochrome P450 family 4 subfamily V member 2; plus strand). Cytogenetic location: 4q35.2.
Variant type: single nucleotide variant.
Coding change: c.1338C>T on transcript NM_207352.4 (MANE Select); coding-DNA position 1338, C replaced by T.
Protein change: p.Pro446=; no amino-acid change (proline 446 retained).
Molecular consequence: synonymous variant.
Genome position (GRCh38, 1-based): chr4:186,209,205, C>T. VCF-style: chr4-186209205-C-T. GRCh37 (hg19) VCF-style: chr4-187130359-C-T.
Identifiers: ClinVar variation 903213 (VCV000903213.16), dbSNP rs35524919, ClinGen allele CA3162834.

ClinVar aggregate classification (germline): Conflicting classifications of pathogenicity. Review status: criteria provided, conflicting classifications (1 of 4 stars). 6 submissions from 5 submitters: Uncertain significance (2); Likely benign (3). 1 of the submissions does not count toward it. Last evaluated 2026-01-14.

Conditions:
CYP4V2-related disorder. Also called: CYP4V2-related condition; CYP4V2-related disorders.
Corneal dystrophy. Identifiers: Orphanet 34533, MedGen C0010036, MONDO:0018102, HP:0001131.
Retinal dystrophy. Also called: Inherited retinal dystrophy. Identifiers: Orphanet 71862, MedGen C0854723, MeSH D058499, MONDO:0019118, HP:0000556.
Bietti crystalline corneoretinal dystrophy (BCD). Also called: Bietti Crystalline Dystrophy; BIETTI TAPETORETINAL DEGENERATION WITH MARGINAL CORNEAL DYSTROPHY. Identifiers: Orphanet 41751, MedGen C1859486, MONDO:0008865, OMIM 210370.

Allele frequency attached by ClinVar (database versions not stated): TOPMed 0.00047; 1000 Genomes Project 0.00060; 1000 Genomes Project 30x 0.00062.

Submissions (6):

Labcorp Genetics (formerly Invitae), Labcorp
Classification: Likely benign. Last evaluated: 2026-01-14. Review status: criteria provided, single submitter. Criteria: Invitae Variant Classification Sherloc (09022015). Collection method: clinical testing. Allele origin: germline.

Blueprint Genetics
Classification: Likely benign. Last evaluated: 2024-10-31. Review status: criteria provided, single submitter. Criteria: ACMG Guidelines, 2015. Collection method: clinical testing. Allele origin: germline.

Dept Of Ophthalmology, Nagoya University
Classification: Likely benign for Retinal dystrophy. Last evaluated: 2023-10-01. Review status: criteria provided, single submitter. Criteria: Submitter's publication. Collection method: research. Allele origin: germline. Affected: yes.

Illumina Laboratory Services, Illumina
Classification: Uncertain significance for Bietti crystalline corneoretinal dystrophy. Last evaluated: 2018-01-12. Review status: criteria provided, single submitter. Criteria: ICSL Variant Classification Criteria 13 December 2019. Collection method: clinical testing. Allele origin: germline.

Illumina Laboratory Services, Illumina
Classification: Uncertain significance for Corneal dystrophy. Last evaluated: 2018-01-12. Review status: criteria provided, single submitter. Criteria: ICSL Variant Classification Criteria 13 December 2019. Collection method: clinical testing. Allele origin: germline.

PreventionGenetics, part of Exact Sciences
Classification: Likely benign for CYP4V2-related condition. Last evaluated: 2019-08-13. Review status: no assertion criteria provided. Collection method: clinical testing. Allele origin: germline. Not counted in ClinVar's aggregate classification.
Comment: This variant is classified as likely benign based on ACMG/AMP sequence variant interpretation guidelines (Richards et al. 2015 PMID: 25741868, with internal and published modifications).